The following is an entry in ClinVar:

ClinVar aggregate classification (germline): Benign/Likely benign. Review status: criteria provided, multiple submitters, no conflicts (2 of 4 stars). 2 submissions from 2 submitters: Benign (1); Likely benign (1). Last evaluated 2018-01-12.

Conditions:
Long QT syndrome 12 (LQT12). Identifiers: Orphanet 101016, Orphanet 768, MedGen C2751830, MONDO:0013062, OMIM 612955.

Allele frequency attached by ClinVar (database versions not stated): gnomAD 0.02092 and 0.02171; TOPMed 0.03424; 1000 Genomes Project 0.04433; 1000 Genomes Project 30x 0.04638.
gnomAD v4.1: 6,965 of 367,110 alleles (1.9%); highest among the groups gnomAD compares: Admixed American, 17%; 557 homozygotes.

Submissions (2):

Illumina Laboratory Services, Illumina
Classification: Benign for Long QT syndrome 12. Last evaluated: 2018-01-12. Review status: criteria provided, single submitter. Criteria: ICSL Variant Classification Criteria 13 December 2019. Collection method: clinical testing. Allele origin: germline.
Comment: This variant was observed in the ICSL laboratory as part of a predisposition screen in an ostensibly healthy population. It had not been previously curated by ICSL or reported in the Human Gene Mutation Database (HGMD: prior to June 1st, 2018), and was therefore a candidate for classification through an automated scoring system. Utilizing variant allele frequency, disease prevalence and penetrance estimates, and inheritance mode, an automated score was calculated to assess if this variant is too frequent to cause the disease. Based on the score and internal cut-off values, a variant classified as benign is not then subjected to further curation. The score for this variant resulted in a classification of benign for this disease.

Breakthrough Genomics
Classification: Likely benign. Review status: criteria provided, single submitter. Criteria: ACMG Guidelines, 2015. Collection method: not provided. Allele origin: germline. Inheritance: Autosomal dominant inheritance. Affected: yes.

NM_003098.3(SNTA1):c.*343G>A

Gene: SNTA1 (syntrophin alpha 1; minus strand). Cytogenetic location: 20q11.21.
Variant type: single nucleotide variant.
Coding change: c.*343G>A on transcript NM_003098.3 (MANE Select); 343 bases downstream of the stop codon, G replaced by A.
Molecular consequence: 3 prime UTR variant.
Genome position (GRCh38, 1-based): chr20:33,408,164, C>T on the plus strand (G>A on the coding strand, the complement: SNTA1 is on the minus strand). VCF-style: chr20-33408164-C-T. GRCh37 (hg19) VCF-style: chr20-31995970-C-T.
Identifiers: ClinVar variation 338206 (VCV000338206.7), dbSNP rs41305789, ClinGen allele CA10649609.